The following is an entry in ClinVar:

NM_000368.5(TSC1):c.942G>A (p.Thr314=)

Gene: TSC1 (TSC complex subunit 1; minus strand). Cytogenetic location: 9q34.13.
Variant type: single nucleotide variant.
Coding change: c.942G>A on transcript NM_000368.5 (MANE Select); coding-DNA position 942, G replaced by A.
Protein change: p.Thr314=; no amino-acid change (threonine 314 retained).
Molecular consequence: synonymous variant.
Genome position (GRCh38, 1-based): chr9:132,911,540, C>T on the plus strand (G>A on the coding strand, the complement: TSC1 is on the minus strand). VCF-style: chr9-132911540-C-T. GRCh37 (hg19) VCF-style: chr9-135786927-C-T.
Other names: c.942G>A, p.Thr314= (NM_001162426.2); c.789G>A, p.Thr263= (NM_001162427.2); c.579G>A, p.Thr193= (NM_001362177.2).
Identifiers: ClinVar variation 466163 (VCV000466163.18), dbSNP rs144208203, ClinGen allele CA039839.

ClinVar aggregate classification (germline): Benign/Likely benign. Review status: criteria provided, multiple submitters, no conflicts (2 of 4 stars). 6 submissions from 6 submitters: Benign (1); Likely benign (3). 2 of the submissions do not count toward it. Last evaluated 2025-12-01.

Conditions:
Hereditary cancer-predisposing syndrome. Also called: Hereditary neoplastic syndrome; Neoplastic Syndromes, Hereditary; Tumor predisposition; Hereditary Cancer Syndrome. Identifiers: Orphanet 140162, MedGen C0027672, MeSH D009386, MONDO:0015356.
Tuberous sclerosis 1 (TSC1). Identifiers: Orphanet 805, MedGen C1854465, MONDO:0008612, OMIM 191100.
Tuberous sclerosis syndrome (TSC). Also called: Tuberous Sclerosis Complex; Tuberous sclerosis. Identifiers: Orphanet 805, MedGen C0041341, MONDO:0001734.

Allele frequency attached by ClinVar (database versions not stated): ExAC 0.00001; gnomAD exomes 0.00001; ESP Exome Variant Server 0.00008; TOPMed 0.00002; gnomAD 0.00003 and 0.00004.
gnomAD v4.1: 16 of 1,596,320 alleles (0.001%); highest among the groups gnomAD compares: African/African-American, 0.0028%; no homozygotes.

Submissions (6):

Labcorp Genetics (formerly Invitae), Labcorp
Classification: Likely benign for Tuberous sclerosis 1. Last evaluated: 2025-12-01. Review status: criteria provided, single submitter. Criteria: Invitae Variant Classification Sherloc (09022015). Collection method: clinical testing. Allele origin: germline.

Myriad Genetics, Inc.
Classification: Benign for Tuberous sclerosis 1. Last evaluated: 2025-04-09. Review status: criteria provided, single submitter. Criteria: Myriad Autosomal Dominant, Autosomal Recessive and X-Linked Classification Criteria (2023). Collection method: clinical testing. Allele origin: unknown.
Comment: This variant is considered benign. This variant is a silent/synonymous amino acid change and it is not expected to impact splicing.

All of Us Research Program, National Institutes of Health
Classification: Likely benign for Tuberous sclerosis syndrome. Last evaluated: 2023-11-20. Review status: criteria provided, single submitter. Criteria: ACMG Guidelines, 2015. Collection method: clinical testing. Allele origin: germline. Inheritance: Autosomal dominant inheritance. Observed: 2 variant alleles, 2 heterozygotes.
Comment: This study involves interpretation of variants in research participants for the purpose of population health screening. Participant phenotype was not available at the time of variant classification. Additional details can be found in publication PMID: 35346344, PMCID: PMC8962531

Ambry Genetics
Classification: Likely benign for Hereditary cancer-predisposing syndrome. Last evaluated: 2019-12-30. Review status: criteria provided, single submitter. Criteria: Ambry Variant Classification Scheme 2023. Collection method: clinical testing. Allele origin: germline.

Clinical Genetics DNA and cytogenetics Diagnostics Lab, Erasmus MC, Erasmus Medical Center
Classification: Benign. Review status: no assertion criteria provided. Collection method: clinical testing. Allele origin: germline. Affected: yes. Study: VKGL Data-share Consensus. Not counted in ClinVar's aggregate classification.

Clinical Genetics, Academic Medical Center
Classification: Likely benign. Review status: no assertion criteria provided. Collection method: clinical testing. Allele origin: germline. Affected: yes. Study: VKGL Data-share Consensus. Not counted in ClinVar's aggregate classification.